The following is an entry in ClinVar:

ClinVar aggregate classification (germline): Conflicting classifications of pathogenicity. Review status: criteria provided, conflicting classifications (1 of 4 stars). 5 submissions from 5 submitters: Uncertain significance (4); Likely benign (1). Last evaluated 2026-04-20.

Conditions:
Short-rib thoracic dysplasia 10 with or without polydactyly (SRTD10). Identifiers: Orphanet 474, MedGen C3810175, MONDO:0014284, OMIM 615630.
Retinitis pigmentosa 71 (RP71). Identifiers: Orphanet 791, MedGen C4225342, MONDO:0014618, OMIM 616394.
Bardet-Biedl syndrome 20. Identifiers: MedGen C4310707, MONDO:0023670, OMIM 619471, MONDO:0014926.
IFT172-related disorder. Also called: IFT172-related disorders; IFT172-related condition.
Retinal dystrophy. Also called: Inherited retinal dystrophy. Identifiers: Orphanet 71862, MedGen C0854723, MeSH D058499, MONDO:0019118, HP:0000556.

Allele frequency attached by ClinVar (database versions not stated): gnomAD exomes 0.00008; 1000 Genomes Project 30x 0.00031; gnomAD 0.00005 and 0.00004; ExAC 0.00006; TOPMed 0.00002; 1000 Genomes Project 0.00040.
gnomAD v4.1: 48 of 1,613,972 alleles (0.003%); highest among the groups gnomAD compares: East Asian, 0.06%; no homozygotes.

Submissions (5):

PreventionGenetics, part of Exact Sciences
Classification: Uncertain significance for IFT172-related condition. Last evaluated: 2026-04-20. Review status: criteria provided, single submitter. Criteria: ACMG Guidelines, 2015. Collection method: clinical testing. Allele origin: germline.
Comment: The IFT172 c.5104C>T variant is predicted to result in the amino acid substitution p.Arg1702Trp. To our knowledge, this variant has not been reported in the literature. This variant is reported in 0.12% of alleles in individuals of East Asian descent in gnomAD v2 (as displayed in the table above). However, in gnomAD v4 (available only on GRCh38), this variant is reported in 0.06% of alleles in a larger sample of the East Asian subpopulation. Although we suspect that this variant may be benign, at this time, the clinical significance of this variant is uncertain due to the absence of conclusive functional and genetic evidence.

Labcorp Genetics (formerly Invitae), Labcorp
Classification: Likely benign for Retinitis pigmentosa 71; Short-rib thoracic dysplasia 10 with or without polydactyly. Last evaluated: 2025-01-14. Review status: criteria provided, single submitter. Criteria: Invitae Variant Classification Sherloc (09022015). Collection method: clinical testing. Allele origin: germline.

Blueprint Genetics
Classification: Uncertain significance. Last evaluated: 2024-10-24. Review status: criteria provided, single submitter. Criteria: ACMG Guidelines, 2015. Collection method: clinical testing. Allele origin: germline.

Fulgent Genetics
Classification: Uncertain significance for Short-rib thoracic dysplasia 10 with or without polydactyly; Retinitis pigmentosa 71; Bardet-Biedl syndrome 20. Last evaluated: 2024-01-05. Review status: criteria provided, single submitter. Criteria: ACMG Guidelines, 2015. Collection method: clinical testing. Allele origin: germline.

Dept Of Ophthalmology, Nagoya University
Classification: Uncertain significance for Retinal dystrophy. Last evaluated: 2023-10-01. Review status: criteria provided, single submitter. Criteria: Submitter's publication. Collection method: research. Allele origin: germline. Affected: yes.

NM_015662.3(IFT172):c.5104C>T (p.Arg1702Trp)

Genes: IFT172 (intraflagellar transport 172; minus strand), KRTCAP3 (keratinocyte associated protein 3; plus strand). Cytogenetic location: 2p23.3.
Variant type: single nucleotide variant.
Coding change: c.5104C>T on transcript NM_015662.3 (MANE Select); coding-DNA position 5104, C replaced by T.
Protein change: p.Arg1702Trp; replaces arginine 1702 with tryptophan.
Molecular consequence: missense variant. On other transcripts: intron variant (1).
Genome position (GRCh38, 1-based): chr2:27,445,070, G>A on the plus strand (C>T on the coding strand, the complement: IFT172 is on the minus strand). VCF-style: chr2-27445070-G-A. GRCh37 (hg19) VCF-style: chr2-27667937-G-A.
Other names: c.5038C>T, p.Arg1680Trp (NM_001410739.1); c.*5+1009G>A (NM_001168364.2); c.5104C>T (NM_015662.2); short protein forms R1702W, R1680W.
Identifiers: ClinVar variation 1382803 (VCV001382803.11), dbSNP rs560831644, ClinGen allele CA1579358.